The following is an entry in ClinVar:

NM_198525.3(KIF7):c.3456G>C (p.Gln1152His)

Genes: KIF7 (kinesin family member 7; minus strand), LOC126862216 (BRD4-independent group 4 enhancer GRCh37_chr15:90171995-90173194; plus strand). Cytogenetic location: 15q26.1.
Variant type: single nucleotide variant.
Coding change: c.3456G>C on transcript NM_198525.3 (MANE Select); coding-DNA position 3456, G replaced by C.
Protein change: p.Gln1152His; replaces glutamine 1152 with histidine.
Molecular consequence: missense variant.
Genome position (GRCh38, 1-based): chr15:89,629,436, C>G on the plus strand (G>C on the coding strand, the complement: KIF7 is on the minus strand). VCF-style: chr15-89629436-C-G. GRCh37 (hg19) VCF-style: chr15-90172667-C-G.
Other names: short protein forms Q1152H.
Identifiers: ClinVar variation 647892 (VCV000647892.7), dbSNP rs769648374, ClinGen allele CA393754851.
Genomic context (GRCh38, chr15:89,629,436, plus strand): 5'-TCGACTCTGCTGCAGGAGCAGCTGCATGTTCTGCTCGTGCTCCTTCTGCTGCAGGGTCAG[C>G]TGGCGGTCCATCTCCAGGCGCTGCCGCTCCAGGGCCACCTCCAGCCAGTACACCAGCCTC-3'
Protein context (NP_940927.2, residues 1142-1162): LERQRLEMDR[Gln1152His]LTLQQKEHEQ

ClinVar aggregate classification (germline): Uncertain significance. Review status: criteria provided, multiple submitters, no conflicts (2 of 4 stars). 2 submissions from 2 submitters: Uncertain significance (2). Last evaluated 2024-06-26.

Conditions:
Inborn genetic diseases. Identifiers: MedGen C0950123, MeSH D030342.
Acrocallosal syndrome (ACLS). Also called: HALLUX DUPLICATION, POSTAXIAL POLYDACTYLY, AND ABSENCE OF CORPUS CALLOSUM; Schinzel syndrome 1; Absence of corpus callosum with unusual facial appearance, mental deficiency, duplication of the halluces and polydactyly. Identifiers: Orphanet 36, MedGen C0796147, MONDO:0008708, OMIM 200990.

Allele frequency attached by ClinVar (database versions not stated): gnomAD 0.00003.
gnomAD v4.1: 1 of 1,608,740 alleles (0.000062%); highest among the groups gnomAD compares: Admixed American, 0.0017%; no homozygotes.

Submissions (2):

Ambry Genetics
Classification: Uncertain significance for Inborn genetic diseases. Last evaluated: 2024-06-26. Review status: criteria provided, single submitter. Criteria: Ambry Variant Classification Scheme 2023. Collection method: clinical testing. Allele origin: germline.

Labcorp Genetics (formerly Invitae), Labcorp
Classification: Uncertain significance for Acrocallosal syndrome. Last evaluated: 2022-07-05. Review status: criteria provided, single submitter. Criteria: Invitae Variant Classification Sherloc (09022015). Collection method: clinical testing. Allele origin: germline.
Comment: This sequence change replaces glutamine, which is neutral and polar, with histidine, which is basic and polar, at codon 1152 of the KIF7 protein (p.Gln1152His). This variant is present in population databases (no rsID available, gnomAD no frequency). This variant has not been reported in the literature in individuals affected with KIF7-related conditions. ClinVar contains an entry for this variant (Variation ID: 647892). Algorithms developed to predict the effect of missense changes on protein structure and function are either unavailable or do not agree on the potential impact of this missense change (SIFT: "Deleterious"; PolyPhen-2: "Probably Damaging"; Align-GVGD: "Class C0"). In summary, the available evidence is currently insufficient to determine the role of this variant in disease. Therefore, it has been classified as a Variant of Uncertain Significance.